The following is an entry in ClinVar:

NM_001060.6(TBXA2R):c.380C>A (p.Ala127Asp)

Gene: TBXA2R (thromboxane A2 receptor; minus strand). Cytogenetic location: 19p13.3.
Variant type: single nucleotide variant.
Coding change: c.380C>A on transcript NM_001060.6 (MANE Select); coding-DNA position 380, C replaced by A.
Protein change: p.Ala127Asp; replaces alanine 127 with aspartic acid.
Molecular consequence: missense variant.
Genome position (GRCh38, 1-based): chr19:3,600,255, G>T on the plus strand (C>A on the coding strand, the complement: TBXA2R is on the minus strand). VCF-style: chr19-3600255-G-T. GRCh37 (hg19) VCF-style: chr19-3600253-G-T.
Other names: c.380C>A, p.Ala127Asp (NM_201636.3); short protein forms A127D.
Identifiers: ClinVar variation 4744294 (VCV004744294.1).

ClinVar aggregate classification (germline): Uncertain significance (1 of 4 stars; one submission).

Submission:

Labcorp Genetics (formerly Invitae), Labcorp
Classification: Uncertain significance. Last evaluated: 2025-12-23. Review status: criteria provided, single submitter. Criteria: Invitae Variant Classification Sherloc (09022015). Collection method: clinical testing. Allele origin: germline.
Comment: This sequence change replaces alanine, which is neutral and non-polar, with aspartic acid, which is acidic and polar, at codon 127 of the TBXA2R protein (p.Ala127Asp). This variant is not present in population databases (gnomAD no frequency). This variant has not been reported in the literature in individuals affected with TBXA2R-related conditions. Invitae Evidence Modeling of protein sequence and biophysical properties (such as structural, functional, and spatial information, amino acid conservation, physicochemical variation, residue mobility, and thermodynamic stability) indicates that this missense variant is expected to disrupt TBXA2R protein function with a positive predictive value of 80%. In summary, the available evidence is currently insufficient to determine the role of this variant in disease. Therefore, it has been classified as a Variant of Uncertain Significance.